The following is an entry in ClinVar:

ClinVar aggregate classification (germline): Benign/Likely benign. Review status: criteria provided, multiple submitters, no conflicts (2 of 4 stars). 4 submissions from 4 submitters: Benign (1); Likely benign (3). Last evaluated 2026-01-14.

Conditions:
Mitochondrial complex II deficiency, nuclear type 1. Also called: SUCCINATE CoQ REDUCTASE DEFICIENCY. Identifiers: Orphanet 3208, MedGen C5700310, MONDO:0100294, OMIM 252011.
Pheochromocytoma/paraganglioma syndrome 5. Also called: Paragangliomas 5; SDHA-Related Hereditary Paraganglioma-Pheochromocytoma Syndrome. Identifiers: Orphanet 29072, MedGen C3279992, MONDO:0013602, OMIM 614165.

Allele frequency attached by ClinVar (database versions not stated): gnomAD 0.00001; TOPMed 0.00002; ExAC 0.00005; gnomAD exomes 0.00006.
gnomAD v4.1: 18 of 1,613,720 alleles (0.0011%); highest among the groups gnomAD compares: Admixed American, 0.02%; no homozygotes.

Submissions (4):

Labcorp Genetics (formerly Invitae), Labcorp
Classification: Likely benign for Pheochromocytoma/paraganglioma syndrome 5; Mitochondrial complex II deficiency, nuclear type 1. Last evaluated: 2026-01-14. Review status: criteria provided, single submitter. Criteria: Invitae Variant Classification Sherloc (09022015). Collection method: clinical testing. Allele origin: germline.

ARUP Laboratories, Molecular Genetics and Genomics, ARUP Laboratories
Classification: Likely benign. Last evaluated: 2025-05-06. Review status: criteria provided, single submitter. Criteria: ARUP Molecular Germline Variant Investigation Process 2024. Collection method: clinical testing. Allele origin: germline.

Myriad Genetics, Inc.
Classification: Likely benign for Pheochromocytoma/paraganglioma syndrome 5. Last evaluated: 2025-02-28. Review status: criteria provided, single submitter. Criteria: Myriad Autosomal Dominant, Autosomal Recessive and X-Linked Classification Criteria (2023). Collection method: clinical testing. Allele origin: unknown.
Comment: This variant is considered likely benign. This variant is intronic and is not expected to impact mRNA splicing.

Quest Diagnostics Nichols Institute San Juan Capistrano
Classification: Benign. Last evaluated: 2021-06-25. Review status: criteria provided, single submitter. Criteria: Quest Diagnostics criteria. Collection method: clinical testing. Allele origin: unknown.

NM_004168.4(SDHA):c.456+10G>A

Gene: SDHA (succinate dehydrogenase complex flavoprotein subunit A; plus strand). Cytogenetic location: 5p15.33.
Variant type: single nucleotide variant.
Coding change: c.456+10G>A on transcript NM_004168.4 (MANE Select); 10 bases into the intron after coding-DNA position 456, G replaced by A.
Molecular consequence: intron variant.
Genome position (GRCh38, 1-based): chr5:225,572, G>A. VCF-style: chr5-225572-G-A. GRCh37 (hg19) VCF-style: chr5-225687-G-A.
Other names: c.456+10G>A (NM_001330758.2); c.313-311G>A (NM_001294332.2).
Identifiers: ClinVar variation 472391 (VCV000472391.15), dbSNP rs781436294, ClinGen allele CA3172831.